The following is an entry in ClinVar:

NM_022772.4(EPS8L2):c.2068-6C>T

Gene: EPS8L2 (EPS8 signaling adaptor L2; plus strand). Cytogenetic location: 11p15.5.
Variant type: single nucleotide variant.
Coding change: c.2068-6C>T on transcript NM_022772.4 (MANE Select); 6 bases into the intron before coding-DNA position 2068, C replaced by T.
Molecular consequence: intron variant.
Genome position (GRCh38, 1-based): chr11:726,895, C>T. VCF-style: chr11-726895-C-T. GRCh37 (hg19) VCF-style: chr11-726895-C-T.
Other names: c.2068-6C>T (NM_001441192.1, NM_001441193.1); c.1531-6C>T (NM_001441194.1).
Identifiers: ClinVar variation 4979433 (VCV004979433.1).

ClinVar aggregate classification (germline): Likely benign (1 of 4 stars; one submission).

Conditions:
EPS8L2-related disorder. Also called: EPS8L2-related condition.

gnomAD v4.1: 109 of 1,611,872 alleles (0.0068%); highest among the groups gnomAD compares: Non-Finnish European, 0.009%; no homozygotes.

Submission:

PreventionGenetics, part of Exact Sciences
Classification: Likely benign for EPS8L2-related condition. Last evaluated: 2026-08-26. Review status: criteria provided, single submitter. Criteria: ACMG Guidelines, 2015. Collection method: clinical testing. Allele origin: germline.
Comment: This variant is classified as likely benign based on ACMG/AMP sequence variant interpretation guidelines (Richards et al. 2015 PMID: 25741868, with internal and published modifications).